The following is an entry in ClinVar:

ClinVar aggregate classification (germline): Pathogenic/Likely pathogenic. Review status: criteria provided, multiple submitters, no conflicts (2 of 4 stars). 3 submissions from 3 submitters: Pathogenic (1); Likely pathogenic (1). 1 of the submissions does not count toward it. Last evaluated 2025-12-01.

Conditions:
Phenylketonuria (PKU). Also called: Phenylketonuria (PKU); FOLLING DISEASE; OLIGOPHRENIA PHENYLPYRUVICA; Phenylketonurias. Identifiers: Orphanet 716, MedGen C0031485, MONDO:0009861, OMIM 261600. Disease mechanism: loss of function.

gnomAD v4.1: 1 of 1,613,800 alleles (0.000062%); highest among the groups gnomAD compares: Non-Finnish European, 0.000085%; no homozygotes.

Submissions (3):

Labcorp Genetics (formerly Invitae), Labcorp
Classification: Pathogenic for Phenylketonuria. Last evaluated: 2025-12-01. Review status: criteria provided, single submitter. Criteria: Invitae Variant Classification Sherloc (09022015). Collection method: clinical testing. Allele origin: germline.
Comment: This sequence change replaces proline, which is neutral and non-polar, with serine, which is neutral and polar, at codon 89 of the PAH protein (p.Pro89Ser). This variant is not present in population databases (gnomAD no frequency). This missense change has been observed in individual(s) with hyperphenylalaninemia (PMID: 10495930, 25894915). ClinVar contains an entry for this variant (Variation ID: 102641). Invitae Evidence Modeling of protein sequence and biophysical properties (such as structural, functional, and spatial information, amino acid conservation, physicochemical variation, residue mobility, and thermodynamic stability) indicates that this missense variant is not expected to disrupt PAH protein function with a negative predictive value of 80%. This variant disrupts the p.Pro89 amino acid residue in PAH. Other variant(s) that disrupt this residue have been determined to be pathogenic (PMID: 31355225). This suggests that this residue is clinically significant, and that variants that disrupt this residue are likely to be disease-causing. For these reasons, this variant has been classified as Pathogenic.

Women's Health and Genetics/Laboratory Corporation of America, LabCorp
Classification: Likely pathogenic for Phenylketonuria. Last evaluated: 2024-12-05. Review status: criteria provided, single submitter. Criteria: LabCorp Variant Classification Summary - May 2015. Collection method: clinical testing. Allele origin: germline.
Comment: Variant summary: PAH c.265C>T (p.Pro89Ser) results in a non-conservative amino acid change located in the ACT-like domain (IPR045865) of the encoded protein sequence. Three of five in-silico tools predict a damaging effect of the variant on protein function. The variant was absent in 251448 control chromosomes (gnomAD). c.265C>T has been reported in the literature in individuals affected with Phenylalanine Hydroxylase Deficiency (Phenylketonuria) (Zekanowski_1997, Zekanowski_2001, Chen_2015, Hillert_2020). These data indicate that the variant is likely to be associated with disease. To our knowledge, no experimental evidence demonstrating an impact on protein function has been reported. The following publications have been ascertained in the context of this evaluation (PMID: 25894915, 32668217, 10495930, 9298832, 11096279). ClinVar contains an entry for this variant (Variation ID: 102641). Based on the evidence outlined above, the variant was classified as likely pathogenic.

DeBelle Laboratory for Biochemical Genetics, MUHC/MCH RESEARCH INSTITUTE
No classification provided. Review status: no classification provided. Collection method: not provided. Allele origin: not provided. Not counted in ClinVar's aggregate classification.

Literature cited by the submitters: PubMed 10495930 (cited by Labcorp Genetics (formerly Invitae), Labcorp and Women's Health and Genetics/Laboratory Corporation of America, LabCorp); PubMed 25894915 (cited by Labcorp Genetics (formerly Invitae), Labcorp and Women's Health and Genetics/Laboratory Corporation of America, LabCorp); PubMed 31355225 (cited by Labcorp Genetics (formerly Invitae), Labcorp); PubMed 9298832 (cited by Women's Health and Genetics/Laboratory Corporation of America, LabCorp); PubMed 32668217 (cited by Women's Health and Genetics/Laboratory Corporation of America, LabCorp); PubMed 11096279 (cited by Women's Health and Genetics/Laboratory Corporation of America, LabCorp).

NM_000277.3(PAH):c.265C>T (p.Pro89Ser)

Gene: PAH (phenylalanine hydroxylase; minus strand). Cytogenetic location: 12q23.2.
Variant type: single nucleotide variant.
Coding change: c.265C>T on transcript NM_000277.3 (MANE Select); coding-DNA position 265, C replaced by T.
Protein change: p.Pro89Ser; replaces proline 89 with serine.
Molecular consequence: missense variant.
Genome position (GRCh38, 1-based): chr12:102,894,822, G>A on the plus strand (C>T on the coding strand, the complement: PAH is on the minus strand). VCF-style: chr12-102894822-G-A. GRCh37 (hg19) VCF-style: chr12-103288600-G-A.
Other names: c.265C>T, p.Pro89Ser (NM_001354304.2); short protein forms P89S.
Identifiers: ClinVar variation 102641 (VCV000102641.9), dbSNP rs62507270, ClinGen allele CA229501.